The following is an entry in ClinVar:

NM_001042432.2(CLN3):c.528C>A (p.Tyr176Ter)

Gene: CLN3 (CLN3 lysosomal/endosomal transmembrane protein, battenin; minus strand). Cytogenetic location: 16p12.1.
Variant type: single nucleotide variant.
Coding change: c.528C>A on transcript NM_001042432.2 (MANE Select); coding-DNA position 528, C replaced by A.
Protein change: p.Tyr176Ter; replaces tyrosine 176 with a stop codon.
Molecular consequence: nonsense.
Genome position (GRCh38, 1-based): chr16:28,486,583, G>T on the plus strand (C>A on the coding strand, the complement: CLN3 is on the minus strand). VCF-style: chr16-28486583-G-T. GRCh37 (hg19) VCF-style: chr16-28497904-G-T.
Other names: c.528C>A, p.Tyr176Ter (NM_000086.2); c.456C>A, p.Tyr152Ter (NM_001286104.2); c.228C>A, p.Tyr76Ter (NM_001286105.2); c.294C>A, p.Tyr98Ter (NM_001286109.2); c.366C>A, p.Tyr122Ter (NM_001286110.2); short protein forms Y122*, Y152*, Y176*, Y76*, Y98*.
Identifiers: ClinVar variation 1726715 (VCV001726715.2), dbSNP rs2506484397, ClinGen allele CA395345620.

ClinVar aggregate classification (germline): Likely pathogenic (1 of 4 stars; one submission).

Conditions:
Neuronal ceroid lipofuscinosis 3 (CLN3). Identifiers: Orphanet 228346, MedGen C0751383, MONDO:0008767, OMIM 204200.

gnomAD v4.1: 1 of 1,610,828 alleles (0.000062%); highest among the groups gnomAD compares: Middle Eastern, 0.017%; no homozygotes.

Submission:

Myriad Genetics, Inc.
Classification: Likely pathogenic for Neuronal ceroid lipofuscinosis 3. Last evaluated: 2021-12-31. Review status: criteria provided, single submitter. Criteria: Myriad Women's Health Autosomal Recessive and X-Linked Classification Criteria (2021). Collection method: clinical testing. Allele origin: unknown.
Comment: NM_001042432.1(CLN3):c.528C>A(Y176*) is expected to be pathogenic in the context of CLN3-related neuronal ceroid lipofuscinosis. This variant is predicted to lead to an abnormal or absent protein product due to the creation of a premature termination codon in CLN3, a gene where loss-of-function variants are known to be pathogenic. Please note: this variant was assessed in the context of healthy population screening.